The following is an entry in ClinVar:

Conditions:
Long QT syndrome 5 (LQT5). Identifiers: Orphanet 101016, Orphanet 768, MedGen C1867904, MONDO:0013372, OMIM 613695.

gnomAD v4.1: 1 of 1,059,710 alleles (0.000094%); highest among the groups gnomAD compares: East Asian, 0.0031%; no homozygotes.

Submission:

Roden Lab, Vanderbilt University Medical Center
No classification provided (evidence only). Condition: Long QT syndrome 5. Review status: no classification provided. Collection method: in vitro. Allele origin: not applicable. Functional consequence: Effect on ion channel function.
ClinVar note: "not provided" was previously submitted as the classification for the variant. However, the classification appeared to be based only on an observation of functional data so it was converted to no classification on 2025-07-30.

NM_000219.6(KCNE1):c.135C>T (p.Leu45=)

Gene: KCNE1 (potassium voltage-gated channel subfamily E regulatory subunit 1; minus strand). Cytogenetic location: 21q22.12.
Variant type: single nucleotide variant.
Coding change: c.135C>T on transcript NM_000219.6 (MANE Select); coding-DNA position 135, C replaced by T.
Protein change: p.Leu45=; no amino-acid change (leucine 45 retained).
Molecular consequence: synonymous variant.
Genome position (GRCh38, 1-based): chr21:34,449,500, G>A on the plus strand (C>T on the coding strand, the complement: KCNE1 is on the minus strand). VCF-style: chr21-34449500-G-A. GRCh37 (hg19) VCF-style: chr21-35821798-G-A.
Other names: c.135C>T, p.Leu45= (NM_001127668.4, NM_001127669.4, NM_001127670.4 and 4 more transcripts).
Identifiers: ClinVar variation 3374142 (VCV003374142.2).